The following is an entry in ClinVar:

ClinVar aggregate classification (germline): Uncertain significance. Review status: criteria provided, multiple submitters, no conflicts (2 of 4 stars). 4 submissions from 4 submitters: Uncertain significance (3). 1 of the submissions does not count toward it. Last evaluated 2024-12-23.

Conditions:
Inborn genetic diseases. Identifiers: MedGen C0950123, MeSH D030342.
Dyskeratosis congenita, autosomal recessive 5 (DKCB5). Identifiers: MedGen C3554656, MONDO:0014076, OMIM 615190.
Pulmonary fibrosis and/or bone marrow failure, Telomere-related, 3. Also called: PULMONARY FIBROSIS AND/OR BONE MARROW FAILURE SYNDROME, TELOMERE-RELATED, 3. Identifiers: Orphanet 2032, MedGen C4225346, MONDO:0014613, OMIM 616373.
Dyskeratosis congenita. Identifiers: Orphanet 1775, MedGen C0265965, MONDO:0015780.

Allele frequency attached by ClinVar (database versions not stated): ExAC 0.00001; gnomAD 0.00002; gnomAD exomes 0.00002 and 0.00004; TOPMed 0.00003; ESP Exome Variant Server 0.00008.
gnomAD v4.1: 34 of 1,609,100 alleles (0.0021%); highest among the groups gnomAD compares: Admixed American, 0.01%; no homozygotes.

Submissions (4):

Labcorp Genetics (formerly Invitae), Labcorp
Classification: Uncertain significance for Dyskeratosis congenita, autosomal recessive 5; Pulmonary fibrosis and/or bone marrow failure, Telomere-related, 3. Last evaluated: 2024-12-23. Review status: criteria provided, single submitter. Criteria: Invitae Variant Classification Sherloc (09022015). Collection method: clinical testing. Allele origin: germline.
Comment: This sequence change replaces histidine, which is basic and polar, with tyrosine, which is neutral and polar, at codon 465 of the RTEL1 protein (p.His465Tyr). This variant is present in population databases (rs142928306, gnomAD 0.02%). This variant has not been reported in the literature in individuals affected with RTEL1-related conditions. This variant is also known as c.1465C>T (p.His489Tyr). ClinVar contains an entry for this variant (Variation ID: 967124). An algorithm developed to predict the effect of missense changes on protein structure and function (PolyPhen-2) suggests that this variant¬¨‚Ä†is likely to be tolerated. In summary, the available evidence is currently insufficient to determine the role of this variant in disease. Therefore, it has been classified as a Variant of Uncertain Significance.

Fulgent Genetics
Classification: Uncertain significance for Dyskeratosis congenita, autosomal recessive 5; Pulmonary fibrosis and/or bone marrow failure, Telomere-related, 3. Last evaluated: 2021-07-16. Review status: criteria provided, single submitter. Criteria: ACMG Guidelines, 2015. Collection method: clinical testing. Allele origin: unknown.

Ambry Genetics
Classification: Uncertain significance for Inborn genetic diseases. Last evaluated: 2021-07-12. Review status: criteria provided, single submitter. Criteria: Ambry Variant Classification Scheme 2023. Collection method: clinical testing. Allele origin: germline.
Comment: The p.H489Y variant (also known as c.1465C>T), located in coding exon 16 of the RTEL1 gene, results from a C to T substitution at nucleotide position 1465. The histidine at codon 489 is replaced by tyrosine, an amino acid with similar properties. This amino acid position is conserved. In addition, this alteration is predicted to be tolerated by in silico analysis. Since supporting evidence is limited at this time, the clinical significance of this alteration remains unclear.

Natera, Inc.
Classification: Uncertain significance for Dyskeratosis congenita. Last evaluated: 2021-04-05. Review status: no assertion criteria provided. Collection method: clinical testing. Allele origin: germline. Not counted in ClinVar's aggregate classification.

NM_001283009.2(RTEL1):c.1393C>T (p.His465Tyr)

Genes: RTEL1 (regulator of telomere elongation helicase 1; plus strand), RTEL1-TNFRSF6B (RTEL1-TNFRSF6B readthrough (NMD candidate); plus strand). Cytogenetic location: 20q13.33.
Variant type: single nucleotide variant.
Coding change: c.1393C>T on transcript NM_001283009.2 (MANE Select); coding-DNA position 1393, C replaced by T.
Protein change: p.His465Tyr; replaces histidine 465 with tyrosine.
Molecular consequence: missense variant. On other transcripts: non-coding transcript variant (1).
Genome position (GRCh38, 1-based): chr20:63,687,682, C>T. VCF-style: chr20-63687682-C-T. GRCh37 (hg19) VCF-style: chr20-62319035-C-T.
Other names: c.1465C>T (NM_032957.4); c.724C>T, p.His242Tyr (NM_001283010.1); c.1393C>T, p.His465Tyr (NM_016434.4); c.1465C>T, p.His489Tyr (NM_032957.5); short protein forms H242Y, H465Y, H489Y.
Identifiers: ClinVar variation 967124 (VCV000967124.9), dbSNP rs142928306, ClinGen allele CA9964782.
Genomic context (GRCh38, chr20:63,687,682, plus strand): 5'-GCCCCCCGCCCCACAGGGAAGGTGCTGAGCTACTGGTGCTTCAGTCCCGGCCACAGCATG[C>T]ACGAGCTGGTCCGCCAGGGCGTCCGCTCCCTCATCCTTACCAGCGGCACGCTGGCCCCGG-3'
Protein context (NP_001269938.1, residues 455-475): YWCFSPGHSM[His465Tyr]ELVRQGVRSL